The following is an entry in ClinVar:

NM_001042492.3(NF1):c.5742A>T (p.Thr1914=)

Gene: NF1 (neurofibromin 1; plus strand). Cytogenetic location: 17q11.2.
Variant type: single nucleotide variant.
Coding change: c.5742A>T on transcript NM_001042492.3 (MANE Select); coding-DNA position 5742, A replaced by T.
Protein change: p.Thr1914=; no amino-acid change (threonine 1914 retained).
Molecular consequence: synonymous variant.
Genome position (GRCh38, 1-based): chr17:31,330,428, A>T. VCF-style: chr17-31330428-A-T. GRCh37 (hg19) VCF-style: chr17-29657446-A-T.
Other names: c.5679A>T, p.Thr1893= (NM_000267.4).
Identifiers: ClinVar variation 457760 (VCV000457760.17), dbSNP rs1555533874, ClinGen allele CA499233510.

ClinVar aggregate classification (germline): Benign/Likely benign. Review status: criteria provided, multiple submitters, no conflicts (2 of 4 stars). 6 submissions from 6 submitters: Benign (1); Likely benign (5). Last evaluated 2026-06-01.

Conditions:
Hereditary cancer-predisposing syndrome. Also called: Hereditary neoplastic syndrome; Neoplastic Syndromes, Hereditary; Hereditary Cancer Syndrome; Tumor predisposition. Identifiers: Orphanet 140162, MedGen C0027672, MeSH D009386, MONDO:0015356.
Cardiovascular phenotype. Identifiers: MedGen CN230736.
Neurofibromatosis, type 1 (NF1). Also called: Neurofibromatosis, type I; NEUROFIBROMATOSIS, TYPE I, SOMATIC; Peripheral type neurofibromatosis; VON RECKLINGHAUSEN DISEASE. Identifiers: Orphanet 636, MedGen C0027831, MONDO:0018975, OMIM 162200. Disease mechanism: loss of function.

Allele frequency attached by ClinVar (database versions not stated): TOPMed below 0.00001; gnomAD exomes 0.00001.
gnomAD v4.1: 4 of 1,614,008 alleles (0.00025%); highest among the groups gnomAD compares: Middle Eastern, 0.017%; no homozygotes.

Submissions (6):

CeGaT Center for Human Genetics Tuebingen
Classification: Likely benign. Last evaluated: 2026-06-01. Review status: criteria provided, single submitter. Criteria: CeGaT Center For Human Genetics Tuebingen Variant Classification Criteria Version 2. Collection method: clinical testing. Allele origin: germline. Affected: yes. Observed: 1 variant allele.
Comment: NF1: BP4, BP7

Myriad Genetics, Inc.
Classification: Benign for Neurofibromatosis, type 1. Last evaluated: 2026-05-20. Review status: criteria provided, single submitter. Criteria: Myriad Autosomal Dominant, Autosomal Recessive and X-Linked Classification Criteria (2023). Collection method: clinical testing. Allele origin: unknown.
Comment: This variant is considered benign. This variant is a silent/synonymous amino acid change and it is not expected to impact splicing.

Labcorp Genetics (formerly Invitae), Labcorp
Classification: Likely benign for Neurofibromatosis, type 1. Last evaluated: 2025-12-21. Review status: criteria provided, single submitter. Criteria: Invitae Variant Classification Sherloc (09022015). Collection method: clinical testing. Allele origin: germline.

Genome-Nilou Lab
Classification: Likely benign for Neurofibromatosis, type 1. Last evaluated: 2022-03-15. Review status: criteria provided, single submitter. Criteria: ACMG Guidelines, 2015. Collection method: clinical testing. Allele origin: germline. Affected: no.

GeneDx
Classification: Likely benign. Last evaluated: 2017-12-27. Review status: criteria provided, single submitter. Criteria: GeneDx Variant Classification (06012015). Collection method: clinical testing. Allele origin: germline. Affected: yes.
Comment: This variant is considered likely benign or benign based on one or more of the following criteria: it is a conservative change, it occurs at a poorly conserved position in the protein, it is predicted to be benign by multiple in silico algorithms, and/or has population frequency not consistent with disease.

Ambry Genetics
Classification: Likely benign for Cardiovascular phenotype; Hereditary cancer-predisposing syndrome. Last evaluated: 2016-05-02. Review status: criteria provided, single submitter. Criteria: Ambry Variant Classification Scheme 2023. Collection method: clinical testing. Allele origin: germline.